The following is an entry in ClinVar:

NM_001625.4(AK2):c.698_703delinsGACACATAAACATAAACATAAACTCA (p.Lys233fs)

Gene: AK2 (adenylate kinase 2; minus strand). Cytogenetic location: 1p35.1.
Variant type: Indel.
Coding change: c.698_703delinsGACACATAAACATAAACATAAACTCA on transcript NM_001625.4 (MANE Select); coding-DNA positions 698 to 703, AAGACT replaced by GACACATAAACATAAACATAAACTCA.
Protein change: p.Lys233fs; shifts the reading frame from lysine 233.
Molecular consequence: frameshift variant. On other transcripts: 3 prime UTR variant (1), intron variant (5).
Genome position (GRCh38, 1-based): chr1:33,013,198-33,013,203, AGTCTT replaced by TGAGTTTATGTTTATGTTTATGTGTC on the plus strand (AAGACT replaced by GACACATAAACATAAACATAAACTCA on the coding strand, the reverse complement: AK2 is on the minus strand). VCF-style: chr1-33013198-AGTCTT-TGAGTTTATGTTTATGTTTATGTGTC. GRCh37 (hg19) VCF-style: chr1-33478799-AGTCTT-TGAGTTTATGTTTATGTTTATGTGTC.
Other names: c.554_559delinsGACACATAAACATAAACATAAACTCA, p.Lys185fs (NM_001319140.2); c.*201_*206delinsGACACATAAACATAAACATAAACTCA (NM_001319143.2); c.694+4_694+9delinsGACACATAAACATAAACATAAACTCA (NM_013411.5, NM_001319141.3); c.568+4_568+9delinsGACACATAAACATAAACATAAACTCA (NM_001319142.3); c.670+4_670+9delinsGACACATAAACATAAACATAAACTCA (NM_001199199.3); c.550+4_550+9delinsGACACATAAACATAAACATAAACTCA (NM_001319139.3); short protein forms K185fs, K233fs.
Identifiers: ClinVar variation 2878272 (VCV002878272.3), dbSNP rs2521941385, ClinGen allele CA2739272452.

ClinVar aggregate classification (germline): Uncertain significance (1 of 4 stars; one submission).

Conditions:
Reticular dysgenesis. Also called: ALEUKOCYTOSIS; CONGENITAL ALEUKIA; HEMATOPOIETIC HYPOPLASIA, GENERALIZED; RETICULAR DYSGENESIA; SEVERE COMBINED IMMUNODEFICIENCY WITH LEUKOPENIA; DeVaal disease. Identifiers: Orphanet 33355, MedGen C0272167, MONDO:0009973, OMIM 267500.

Submission:

Labcorp Genetics (formerly Invitae), Labcorp
Classification: Uncertain significance for Reticular dysgenesis. Last evaluated: 2022-09-01. Review status: criteria provided, single submitter. Criteria: Invitae Variant Classification Sherloc (09022015). Collection method: clinical testing. Allele origin: germline.
Comment: This sequence change results in a frameshift in the AK2 gene (p.Lys233Argfs*59). While this is not anticipated to result in nonsense mediated decay, it is expected to disrupt the last 7 amino acid(s) of the AK2 protein and extend the protein by 52 additional amino acid residues. Information on the frequency of this variant in the gnomAD database is not available, as this variant may be reported differently in the database. This variant has not been reported in the literature in individuals affected with AK2-related conditions. ClinVar contains an entry for this variant (Variation ID: 1034623). Experimental studies and prediction algorithms are not available or were not evaluated, and the functional significance of this variant is currently unknown. In summary, the available evidence is currently insufficient to determine the role of this variant in disease. Therefore, it has been classified as a Variant of Uncertain Significance.